The following is an entry in ClinVar:

NM_000492.4(CFTR):c.617T>A (p.Leu206Ter)

Gene: CFTR (CF transmembrane conductance regulator; plus strand). Cytogenetic location: 7q31.2.
Variant type: single nucleotide variant.
Coding change: c.617T>A on transcript NM_000492.4 (MANE Select); coding-DNA position 617, T replaced by A.
Protein change: p.Leu206Ter; replaces leucine 206 with a stop codon.
Molecular consequence: nonsense.
Genome position (GRCh38, 1-based): chr7:117,535,285, T>A. VCF-style: chr7-117535285-T-A. GRCh37 (hg19) VCF-style: chr7-117175339-T-A.
Other names: short protein forms L206*.
Identifiers: ClinVar variation 1726890 (VCV001726890.2), dbSNP rs121908752, ClinGen allele CA368976836.
Genomic context (GRCh38, chr7:117,535,285, plus strand): 5'-TTTGCTGTGCTTTTATTTTCCAGGGACTTGCATTGGCACATTTCGTGTGGATCGCTCCTT[T>A]GCAAGTGGCACTCCTCATGGGGCTAATCTGGGAGTTGTTACAGGCGTCTGCCTTCTGTGG-3'

ClinVar aggregate classification (germline): Likely pathogenic (1 of 4 stars; one submission).

Conditions:
Cystic fibrosis (CF). Also called: MUCOVISCIDOSIS. Identifiers: Orphanet 586, MedGen C0010674, MONDO:0009061, OMIM 219700. Disease mechanism: loss of function.

Submission:

Myriad Genetics, Inc.
Classification: Likely pathogenic for Cystic fibrosis. Last evaluated: 2022-01-02. Review status: criteria provided, single submitter. Criteria: Myriad Women's Health Autosomal Recessive and X-Linked Classification Criteria (2021). Collection method: clinical testing. Allele origin: unknown.
Comment: NM_000492.3(CFTR):c.617T>A(L206*) is expected to be pathogenic in the context of cystic fibrosis. This variant is predicted to lead to an abnormal or absent protein product due to the creation of a premature termination codon in CFTR, a gene where loss-of-function variants are known to be pathogenic. Please note: this variant was assessed in the context of healthy population screening.